The following is an entry in ClinVar:

NM_001040108.2(MLH3):c.150C>G (p.Phe50Leu)

Gene: MLH3 (mutL homolog 3; minus strand). Cytogenetic location: 14q24.3.
Variant type: single nucleotide variant.
Coding change: c.150C>G on transcript NM_001040108.2 (MANE Select); coding-DNA position 150, C replaced by G.
Protein change: p.Phe50Leu; replaces phenylalanine 50 with leucine.
Molecular consequence: missense variant.
Genome position (GRCh38, 1-based): chr14:75,049,506, G>C on the plus strand (C>G on the coding strand, the complement: MLH3 is on the minus strand). VCF-style: chr14-75049506-G-C. GRCh37 (hg19) VCF-style: chr14-75516209-G-C.
Other names: c.150C>G, p.Phe50Leu (NM_014381.3); short protein forms F50L.
Identifiers: ClinVar variation 3232446 (VCV003232446.1), dbSNP rs1892522031, ClinGen allele CA390451475.
Genomic context (GRCh38, chr14:75,049,506, plus strand): 5'-TCCCACTTTCTCTACATCATCACTCCCCATCCCAAATCCATTGTCTATCACTTGAACTTG[G>C]AAGGTTTCCATATTCACCCTGACAGCCACACATTTTGCTTCAGCATCAATACTGTTGAGG-3'
Protein context (NP_001035197.1, residues 40-60): CVAVRVNMET[Phe50Leu]QVQVIDNGFG

ClinVar aggregate classification (germline): Uncertain significance (1 of 4 stars; one submission).

gnomAD v4.1: 1 of 1,613,994 alleles (0.000062%); highest among the groups gnomAD compares: Non-Finnish European, 0.000085%; no homozygotes.

Submission:

Ambry Genetics
Classification: Uncertain significance. Last evaluated: 2024-02-25. Review status: criteria provided, single submitter. Criteria: Ambry Variant Classification Scheme 2023. Collection method: clinical testing. Allele origin: germline.
Comment: The p.F50L variant (also known as c.150C>G), located in coding exon 1 of the MLH3 gene, results from a C to G substitution at nucleotide position 150. The phenylalanine at codon 50 is replaced by leucine, an amino acid with highly similar properties. This amino acid position is conserved. In addition, this alteration is predicted to be tolerated by in silico analysis. Based on the available evidence, the clinical significance of this alteration remains unclear.